The following is an entry in ClinVar:

ClinVar aggregate classification (germline): Pathogenic (1 of 4 stars; one submission).

Conditions:
Deficiency of hydroxymethylglutaryl-CoA lyase (HMGCLD). Also called: Defect in leucine metabolism; 3-hydroxy-3-methylglutaric aciduria; HMG-CoA LYASE DEFICIENCY; HMGCL DEFICIENCY; HYDROXYMETHYLGLUTARIC ACIDURIA. Identifiers: Orphanet 20, MedGen C1533587, MONDO:0009520, OMIM 246450.

Submission:

Labcorp Genetics (formerly Invitae), Labcorp
Classification: Pathogenic for Deficiency of hydroxymethylglutaryl-CoA lyase. Last evaluated: 2022-10-03. Review status: criteria provided, single submitter. Criteria: Invitae Variant Classification Sherloc (09022015). Collection method: clinical testing. Allele origin: germline.
Comment: This variant is a gross deletion of the genomic region encompassing exon(s) 1 of the HMGCL gene, which includes the initiator codon. This deletion extends beyond the assayed region for this gene and therefore may encompass additional genes. It is expected to result in an absent or disrupted protein product. Loss-of-function variants in HMGCL are known to be pathogenic (PMID: 9817922, 17692550, 23465862). This variant has not been reported in the literature in individuals affected with HMGCL-related conditions. For these reasons, this variant has been classified as Pathogenic.

Literature cited by the submitters: PubMed 9817922; PubMed 17692550; PubMed 23465862.

NC_000001.11:g.(?_23825336)_(23825435_?)del

Gene: HMGCL (3-hydroxy-3-methylglutaryl-CoA lyase; minus strand). Cytogenetic location: 1p36.11.
Variant type: Deletion.
Identifiers: ClinVar variation 833465 (VCV000833465.2).